The following is an entry in ClinVar:

ClinVar aggregate classification (germline): Uncertain significance (1 of 4 stars; one submission).

Conditions:
Brachyolmia-amelogenesis imperfecta syndrome. Also called: PLATYSPONDYLY WITH AMELOGENESIS IMPERFECTA; Tooth agenesis, selective, 6; Dental anomalies and short stature. Identifiers: Orphanet 2899, MedGen C1832594, MONDO:0011018, OMIM 601216. Disease mechanism: loss of function.

Submission:

Labcorp Genetics (formerly Invitae), Labcorp
Classification: Uncertain significance for Brachyolmia-amelogenesis imperfecta syndrome. Last evaluated: 2022-06-11. Review status: criteria provided, single submitter. Criteria: Invitae Variant Classification Sherloc (09022015). Collection method: clinical testing. Allele origin: germline.
Comment: This variant has not been reported in the literature in individuals affected with LTBP3-related conditions. In summary, the available evidence is currently insufficient to determine the role of this variant in disease. Therefore, it has been classified as a Variant of Uncertain Significance. Experimental studies and prediction algorithms are not available or were not evaluated, and the functional significance of this variant is currently unknown. This variant is not present in population databases (gnomAD no frequency). This sequence change creates a premature translational stop signal (p.Arg1272Serfs*2) in the LTBP3 gene. While this is not anticipated to result in nonsense mediated decay, it is expected to disrupt the last 32 amino acid(s) of the LTBP3 protein.

NM_001130144.3(LTBP3):c.3779_3813dup (p.Arg1272delinsSerTer)

Gene: LTBP3 (latent transforming growth factor beta binding protein 3; minus strand). Cytogenetic location: 11q13.1.
Variant type: Duplication.
Coding change: c.3779_3813dup on transcript NM_001130144.3 (MANE Select); coding-DNA positions 3779 to 3813, 35 bases duplicated.
Protein change: p.Arg1272delinsSerTer.
Molecular consequence: nonsense.
Genome position (GRCh38, 1-based): chr11:65,539,179-65,539,213, 35 bases duplicated; duplicating any 35 consecutive bases within chr11:65,539,179-65,539,217 gives the same sequence; the c. name uses the placement nearest the transcript's 3' end. GRCh37 (hg19): chr11:65,306,654-65,306,688.
Other names: c.3287_3321dup, p.Arg1108delinsSerTer (NM_001164266.1); c.3638_3672dup, p.Arg1225delinsSerTer (NM_021070.4).
Identifiers: ClinVar variation 2120612 (VCV002120612.4), dbSNP rs2496109721, ClinGen allele CA2580084467.